The following is an entry in ClinVar:

NM_001042492.3(NF1):c.6531C>T (p.Ala2177=)

Gene: NF1 (neurofibromin 1; plus strand). Cytogenetic location: 17q11.2.
Variant type: single nucleotide variant.
Coding change: c.6531C>T on transcript NM_001042492.3 (MANE Select); coding-DNA position 6531, C replaced by T.
Protein change: p.Ala2177=; no amino-acid change (alanine 2177 retained).
Molecular consequence: synonymous variant.
Genome position (GRCh38, 1-based): chr17:31,337,471, C>T. VCF-style: chr17-31337471-C-T. GRCh37 (hg19) VCF-style: chr17-29664489-C-T.
Other names: c.6468C>T, p.Ala2156= (NM_000267.4).
Identifiers: ClinVar variation 1081656 (VCV001081656.10), dbSNP rs2151556280, ClinGen allele CA499234077.
Genomic context (GRCh38, chr17:31,337,471, plus strand): 5'-ATTACCCAAATTTTACTTGCTGTTTGGCATTAGCAAAGTCAAGTCAGCTGCTGTCATTGC[C>T]TTCCGTTCCAGTTACCGGGACAGGTCATTCTCTCCTGGCTCCTATGAGAGAGAGACTTTT-3'
Protein context (NP_001035957.1, residues 2167-2187): ISKVKSAAVI[Ala2177=]FRSSYRDRSF

ClinVar aggregate classification (germline): Conflicting classifications of pathogenicity. Review status: criteria provided, conflicting classifications (1 of 4 stars). 3 submissions from 3 submitters: Uncertain significance (1); Likely benign (2). Last evaluated 2025-05-22.

Conditions:
Cardiovascular phenotype. Identifiers: MedGen CN230736.
Hereditary cancer-predisposing syndrome. Also called: Neoplastic Syndromes, Hereditary; Hereditary neoplastic syndrome; Hereditary Cancer Syndrome; Tumor predisposition. Identifiers: Orphanet 140162, MedGen C0027672, MeSH D009386, MONDO:0015356.
Neurofibromatosis, type 1 (NF1). Also called: Peripheral type neurofibromatosis; NEUROFIBROMATOSIS, TYPE I, SOMATIC; Neurofibromatosis, type I; VON RECKLINGHAUSEN DISEASE. Identifiers: Orphanet 636, MedGen C0027831, MONDO:0018975, OMIM 162200. Disease mechanism: loss of function.

Submissions (3):

GeneDx
Classification: Uncertain significance. Last evaluated: 2025-05-22. Review status: criteria provided, single submitter. Criteria: GeneDx Variant Classification Process June 2021. Collection method: clinical testing. Allele origin: germline. Affected: yes.
Comment: Not observed at significant frequency in large population cohorts (gnomAD); Has not been previously published as pathogenic or benign to our knowledge; In silico analysis suggests this variant may impact gene splicing. In the absence of RNA/functional studies, the actual effect of this sequence change is unknown.

Labcorp Genetics (formerly Invitae), Labcorp
Classification: Likely benign for Neurofibromatosis, type 1. Last evaluated: 2023-08-18. Review status: criteria provided, single submitter. Criteria: Invitae Variant Classification Sherloc (09022015). Collection method: clinical testing. Allele origin: germline.

Ambry Genetics
Classification: Likely benign for Cardiovascular phenotype; Hereditary cancer-predisposing syndrome. Last evaluated: 2022-08-04. Review status: criteria provided, single submitter. Criteria: Ambry Variant Classification Scheme 2023. Collection method: clinical testing. Allele origin: germline.